The following is an entry in ClinVar:

NM_000400.4(ERCC2):c.2191-197G>T

Gene: ERCC2 (ERCC excision repair 2, TFIIH core complex helicase subunit; minus strand). Cytogenetic location: 19q13.32.
Variant type: single nucleotide variant.
Coding change: c.2191-197G>T on transcript NM_000400.4 (MANE Select); 197 bases into the intron before coding-DNA position 2191, G replaced by T.
Molecular consequence: intron variant.
Genome position (GRCh38, 1-based): chr19:45,351,918, C>A on the plus strand (G>T on the coding strand, the complement: ERCC2 is on the minus strand). VCF-style: chr19-45351918-C-A. GRCh37 (hg19) VCF-style: chr19-45855176-C-A.
Other names: NC_000019.9:g.45855176C>A.
Identifiers: ClinVar variation 2650100 (VCV002650100.25), dbSNP rs3916885, ClinGen allele CA308947993.

ClinVar aggregate classification (germline): Likely benign (1 of 4 stars; one submission).

Allele frequency attached by ClinVar (database versions not stated): 1000 Genomes Project 30x 0.00250; 1000 Genomes Project 0.00260.
gnomAD v4.1: 797 of 152,294 alleles (0.52%); highest among the groups gnomAD compares: Non-Finnish European, 0.84%; 3 homozygotes.

Submissions (4):

CeGaT Center for Human Genetics Tuebingen
Classification: Likely benign. Last evaluated: 2026-08-01. Review status: criteria provided, single submitter. Criteria: CeGaT Center For Human Genetics Tuebingen Variant Classification Criteria Version 2. Collection method: clinical testing. Allele origin: germline. Affected: yes. Observed: 52 variant alleles.
Comment: ERCC2: BP4, BP7, BS2

Dr. Peter K. Rogan Lab, Western University
No classification provided (evidence only). Condition: Sarcoma. Review status: no classification provided. Collection method: in vitro. Allele origin: not applicable. Functional consequence: retained intron. Not counted in ClinVar's aggregate classification.

Dr. Peter K. Rogan Lab, Western University
No classification provided (evidence only). Condition: Ovarian serous cystadenocarcinoma. Review status: no classification provided. Collection method: in vitro. Allele origin: not applicable. Functional consequence: retained intron. Not counted in ClinVar's aggregate classification.

Dr. Peter K. Rogan Lab, Western University
No classification provided (evidence only). Condition: Uterine carcinosarcoma. Review status: no classification provided. Collection method: in vitro. Allele origin: not applicable. Functional consequence: retained intron. Not counted in ClinVar's aggregate classification.